The following is an entry in ClinVar:

NM_006269.2(RP1):c.6166G>A (p.Gly2056Ser)

Gene: RP1 (RP1 axonemal microtubule associated; plus strand). Cytogenetic location: 8q12.1.
Variant type: single nucleotide variant.
Coding change: c.6166G>A on transcript NM_006269.2 (MANE Select); coding-DNA position 6166, G replaced by A.
Protein change: p.Gly2056Ser; replaces glycine 2056 with serine.
Molecular consequence: missense variant. On other transcripts: intron variant (1).
Genome position (GRCh38, 1-based): chr8:54,630,048, G>A. VCF-style: chr8-54630048-G-A. GRCh37 (hg19) VCF-style: chr8-55542608-G-A.
Other names: c.787+7760G>A (NM_001375654.1); short protein forms G2056S.
Identifiers: ClinVar variation 1919453 (VCV001919453.5), dbSNP rs1019722397, ClinGen allele CA177184658.

ClinVar aggregate classification (germline): Uncertain significance (1 of 4 stars; one submission).

Allele frequency attached by ClinVar (database versions not stated): gnomAD exomes 0.00001.
gnomAD v4.1: 10 of 1,613,924 alleles (0.00062%); highest among the groups gnomAD compares: African/African-American, 0.0013%; no homozygotes.

Submission:

Labcorp Genetics (formerly Invitae), Labcorp
Classification: Uncertain significance. Last evaluated: 2022-11-01. Review status: criteria provided, single submitter. Criteria: Invitae Variant Classification Sherloc (09022015). Collection method: clinical testing. Allele origin: germline.
Comment: This variant is present in population databases (no rsID available, gnomAD 0.004%). In summary, the available evidence is currently insufficient to determine the role of this variant in disease. Therefore, it has been classified as a Variant of Uncertain Significance. Algorithms developed to predict the effect of missense changes on protein structure and function output the following: SIFT: "Tolerated"; PolyPhen-2: "Benign"; Align-GVGD: "Class C0". The serine amino acid residue is found in multiple mammalian species, which suggests that this missense change does not adversely affect protein function. This variant has not been reported in the literature in individuals affected with RP1-related conditions. This sequence change replaces glycine, which is neutral and non-polar, with serine, which is neutral and polar, at codon 2056 of the RP1 protein (p.Gly2056Ser).